The following is an entry in ClinVar:

NM_006348.5(COG5):c.*828C>G

Gene: COG5 (component of oligomeric golgi complex 5; minus strand). Cytogenetic location: 7q22.3.
Variant type: single nucleotide variant.
Coding change: c.*828C>G on transcript NM_006348.5 (MANE Select); 828 bases downstream of the stop codon, C replaced by G.
Molecular consequence: 3 prime UTR variant.
Genome position (GRCh38, 1-based): chr7:107,202,688, G>C on the plus strand (C>G on the coding strand, the complement: COG5 is on the minus strand). VCF-style: chr7-107202688-G-C. GRCh37 (hg19) VCF-style: chr7-106843133-G-C.
Other names: NC_000007.13:g.106843133G>C; c.*828C>G (NM_001379511.1, NM_001379512.1, NM_001379513.1 and 4 more transcripts).
Identifiers: ClinVar variation 358442 (VCV000358442.7), dbSNP rs7981, ClinGen allele CA10627875.

ClinVar aggregate classification (germline): Benign. Review status: criteria provided, multiple submitters, no conflicts (2 of 4 stars). 2 submissions from 2 submitters: Benign (2). Last evaluated 2018-01-13.

Conditions:
COG5-congenital disorder of glycosylation. Also called: CONGENITAL DISORDER OF GLYCOSYLATION, TYPE IIi; CDG IIi; COG5-CDG. Identifiers: Orphanet 263487, MedGen C3150876, MONDO:0013325, OMIM 613612.

Allele frequency attached by ClinVar (database versions not stated): 1000 Genomes Project 30x 0.12570; 1000 Genomes Project 0.13019; gnomAD 0.15427 and 0.15631; TOPMed 0.15477; gnomAD exomes 0.50000.
gnomAD v4.1: 23,843 of 151,962 alleles (16%); highest among the groups gnomAD compares: Non-Finnish European, 22%; 2,329 homozygotes.

Submissions (12):

Illumina Laboratory Services, Illumina
Classification: Benign for COG5-congenital disorder of glycosylation. Last evaluated: 2018-01-13. Review status: criteria provided, single submitter. Criteria: ICSL Variant Classification Criteria 13 December 2019. Collection method: clinical testing. Allele origin: germline.
Comment: This variant was observed in the ICSL laboratory as part of a predisposition screen in an ostensibly healthy population. It had not been previously curated by ICSL or reported in the Human Gene Mutation Database (HGMD: prior to June 1st, 2018), and was therefore a candidate for classification through an automated scoring system. Utilizing variant allele frequency, disease prevalence and penetrance estimates, and inheritance mode, an automated score was calculated to assess if this variant is too frequent to cause the disease. Based on the score and internal cut-off values, a variant classified as benign is not then subjected to further curation. The score for this variant resulted in a classification of benign for this disease.

Breakthrough Genomics
Classification: Benign. Review status: criteria provided, single submitter. Criteria: ACMG Guidelines, 2015. Collection method: not provided. Allele origin: germline. Inheritance: Autosomal recessive inheritance. Affected: yes.

Dr. Peter K. Rogan Lab, Western University
No classification provided (evidence only). Condition: Uterine corpus endometrial carcinoma. Review status: no classification provided. Collection method: in vitro. Allele origin: not applicable. Functional consequence: retained intron. Not counted in ClinVar's aggregate classification.

Dr. Peter K. Rogan Lab, Western University
No classification provided (evidence only). Condition: Uterine corpus endometrial carcinoma. Review status: no classification provided. Collection method: in vitro. Allele origin: not applicable. Functional consequence: retained intron. Not counted in ClinVar's aggregate classification.

Dr. Peter K. Rogan Lab, Western University
No classification provided (evidence only). Condition: Uterine corpus endometrial carcinoma. Review status: no classification provided. Collection method: in vitro. Allele origin: not applicable. Functional consequence: retained intron. Not counted in ClinVar's aggregate classification.

Dr. Peter K. Rogan Lab, Western University
No classification provided (evidence only). Condition: Uterine corpus endometrial carcinoma. Review status: no classification provided. Collection method: in vitro. Allele origin: not applicable. Functional consequence: retained intron. Not counted in ClinVar's aggregate classification.

Dr. Peter K. Rogan Lab, Western University
No classification provided (evidence only). Condition: Thymoma. Review status: no classification provided. Collection method: in vitro. Allele origin: not applicable. Functional consequence: retained intron. Not counted in ClinVar's aggregate classification.

Dr. Peter K. Rogan Lab, Western University
No classification provided (evidence only). Condition: Thymoma. Review status: no classification provided. Collection method: in vitro. Allele origin: not applicable. Functional consequence: retained intron. Not counted in ClinVar's aggregate classification.

Dr. Peter K. Rogan Lab, Western University
No classification provided (evidence only). Condition: Malignant tumor of esophagus. Review status: no classification provided. Collection method: in vitro. Allele origin: not applicable. Functional consequence: retained intron. Not counted in ClinVar's aggregate classification.

Dr. Peter K. Rogan Lab, Western University
No classification provided (evidence only). Condition: Malignant tumor of esophagus. Review status: no classification provided. Collection method: in vitro. Allele origin: not applicable. Functional consequence: retained intron. Not counted in ClinVar's aggregate classification.

Dr. Peter K. Rogan Lab, Western University
No classification provided (evidence only). Condition: Malignant tumor of esophagus. Review status: no classification provided. Collection method: in vitro. Allele origin: not applicable. Functional consequence: retained intron. Not counted in ClinVar's aggregate classification.

Dr. Peter K. Rogan Lab, Western University
No classification provided (evidence only). Condition: Malignant tumor of esophagus. Review status: no classification provided. Collection method: in vitro. Allele origin: not applicable. Functional consequence: retained intron. Not counted in ClinVar's aggregate classification.